The following is an entry in ClinVar:

ClinVar aggregate classification (germline): Likely benign. Review status: criteria provided, multiple submitters, no conflicts (2 of 4 stars). 2 submissions from 2 submitters: Likely benign (2). Last evaluated 2024-11-25.

Submissions (2):

Blueprint Genetics
Classification: Likely benign. Last evaluated: 2024-11-25. Review status: criteria provided, single submitter. Criteria: ACMG Guidelines, 2015. Collection method: clinical testing. Allele origin: germline.

CeGaT Center for Human Genetics Tuebingen
Classification: Likely benign. Last evaluated: 2023-09-01. Review status: criteria provided, single submitter. Criteria: CeGaT Center For Human Genetics Tuebingen Variant Classification Criteria Version 2. Collection method: clinical testing. Allele origin: germline. Affected: yes. Observed: 4 variant alleles.
Comment: RP1L1: BS2

NM_178857.6(RP1L1):c.3970_3971insGGACTAAAGTAATAGAAGGGCTGCAAGAAGAGGGGGTGCAGTTAGAGG (p.Glu1323_Glu1324insGlyThrLysValIleGluGlyLeuGlnGluGluGlyValGlnLeuGlu)

Gene: RP1L1 (RP1 like 1). Cytogenetic location: 8p23.1.
Variant type: Duplication.
Coding change: c.3970_3971insGGACTAAAGTAATAGAAGGGCTGCAAGAAGAGGGGGTGCAGTTAGAGG on transcript NM_178857.6 (MANE Select); coding-DNA positions 3970 to 3971, GGACTAAAGTAATAGAAGGGCTGCAAGAAGAGGGGGTGCAGTTAGAGG inserted.
Protein change: p.Glu1323_Glu1324insGlyThrLysValIleGluGlyLeuGlnGluGluGlyValGlnLeuGlu.
Molecular consequence: inframe insertion.
Genome position: GRCh38: chr8:10,610,141-10,610,142. GRCh37 (hg19): chr8:10,467,651-10,467,652.
Identifiers: ClinVar variation 2658390 (VCV002658390.25), dbSNP rs369606728, ClinGen allele CA1110642160.
Genomic context (GRCh38, chr8:10,610,127, plus strand): 5'-GTTTCTTTAGTTTCCTCTAACTGCACCCCCTCTTCTTGCAGCCCTTCTTCTGTTTTAGTT[T>TCCTCTAACTGCACCCCCTCTTCTTGCAGCCCTTCTATTACTTTAGTCC]CCTCTAACTGCACCGCCTCTTCTTGCAGCCCTTCTCCTTCTGTTCCTTCTTTAGTTTCCT-3'